The following is an entry in ClinVar:

NM_004369.4(COL6A3):c.3257T>A (p.Met1086Lys)

Gene: COL6A3 (collagen type VI alpha 3 chain; minus strand). Cytogenetic location: 2q37.3.
Variant type: single nucleotide variant.
Coding change: c.3257T>A on transcript NM_004369.4 (MANE Select); coding-DNA position 3257, T replaced by A.
Protein change: p.Met1086Lys; replaces methionine 1086 with lysine.
Molecular consequence: missense variant.
Genome position (GRCh38, 1-based): chr2:237,374,834, A>T on the plus strand (T>A on the coding strand, the complement: COL6A3 is on the minus strand). VCF-style: chr2-237374834-A-T. GRCh37 (hg19) VCF-style: chr2-238283477-A-T.
Other names: c.2036T>A, p.Met679Lys (NM_057164.5); c.2639T>A, p.Met880Lys (NM_057165.5, NM_057167.4); c.1436T>A, p.Met479Lys (NM_057166.5); short protein forms M679K, M1086K, M479K, M880K.
Identifiers: ClinVar variation 847100 (VCV000847100.10), dbSNP rs1425555208, ClinGen allele CA351204161.

ClinVar aggregate classification (germline): Uncertain significance (1 of 4 stars; one submission).

Conditions:
Bethlem myopathy 1A. Also called: MYOPATHY, BENIGN CONGENITAL, WITH CONTRACTURES; Bethlem Muscular Dystrophy; Bethlem myopathy 1. Identifiers: Orphanet 610, MedGen CN029274, MONDO:0024530, OMIM 158810.

Allele frequency attached by ClinVar (database versions not stated): gnomAD 0.00001; gnomAD exomes 0.00001; TOPMed 0.00001.

Submission:

Labcorp Genetics (formerly Invitae), Labcorp
Classification: Uncertain significance for Bethlem myopathy 1A. Last evaluated: 2022-06-04. Review status: criteria provided, single submitter. Criteria: Invitae Variant Classification Sherloc (09022015). Collection method: clinical testing. Allele origin: germline.
Comment: In summary, the available evidence is currently insufficient to determine the role of this variant in disease. Therefore, it has been classified as a Variant of Uncertain Significance. Algorithms developed to predict the effect of sequence changes on RNA splicing suggest that this variant may create or strengthen a splice site. Advanced modeling of protein sequence and biophysical properties (such as structural, functional, and spatial information, amino acid conservation, physicochemical variation, residue mobility, and thermodynamic stability) performed at Invitae indicates that this missense variant is not expected to disrupt COL6A3 protein function. ClinVar contains an entry for this variant (Variation ID: 847100). This variant has not been reported in the literature in individuals affected with COL6A3-related conditions. This variant is not present in population databases (gnomAD no frequency). This sequence change replaces methionine, which is neutral and non-polar, with lysine, which is basic and polar, at codon 1086 of the COL6A3 protein (p.Met1086Lys).